The following is an entry in ClinVar:

ClinVar aggregate classification (germline): Likely pathogenic (0 of 4 stars; one submission).

Conditions:
Imerslund-Grasbeck syndrome. Also called: PERNICIOUS ANEMIA, JUVENILE, DUE TO SELECTIVE INTESTINAL MALABSORPTION OF VITAMIN B12, WITH PROTEINURIA; Megaloblastic anemia due to inborn errors of metabolism; Imerslund-Gräsbeck syndrome; ENTEROCYTE COBALAMIN MALABSORPTION; ENTEROCYTE INTRINSIC FACTOR RECEPTOR, DEFECT OF. Identifiers: Orphanet 35858, MedGen C4551825, MONDO:0009853.

Allele frequency attached by ClinVar (database versions not stated): gnomAD exomes below 0.00001; ExAC 0.00001.

Submission:

Juha Muilu Group; Institute for Molecular Medicine Finland (FIMM)
Classification: Likely pathogenic for Megaloblastic anemia due to inborn errors of metabolism. Review status: no assertion criteria provided. Collection method: not provided. Allele origin: unknown.
Comment: FinDis database variant: This variant was not found or characterized by our laboratory, data were collected from public sources: see reference
ClinVar note: Converted during submission from probable-pathogenic to Likely pathogenic.

NM_001081.4(CUBN):c.252+1G>A

Gene: CUBN (cubilin; minus strand). Cytogenetic location: 10p13.
Variant type: single nucleotide variant.
Coding change: c.252+1G>A on transcript NM_001081.4 (MANE Select); the canonical splice donor site of the intron after coding-DNA position 252, G replaced by A.
Molecular consequence: splice donor variant.
Genome position (GRCh38, 1-based): chr10:17,129,120, C>T on the plus strand (G>A on the coding strand, the complement: CUBN is on the minus strand). VCF-style: chr10-17129120-C-T. GRCh37 (hg19) VCF-style: chr10-17171119-C-T.
Identifiers: ClinVar variation 56329 (VCV000056329.2), dbSNP rs386833776, ClinGen allele CA144269.
Genomic context (GRCh38, chr10:17,129,120, plus strand): 5'-TTCAATTAAGTCACCGTATATGGATATACAAAATGACTTCAATATATTTCCAGTGTATTA[C>T]CTGATGTAAACACTCACTGAGATCTTCATCATTTAATTTAATTTTTCCCAGGGATCCGGT-3'